The following is an entry in ClinVar:

NM_001365088.1(SLC12A6):c.1192A>G (p.Asn398Asp)

Gene: SLC12A6 (solute carrier family 12 member 6; minus strand). Cytogenetic location: 15q14.
Variant type: single nucleotide variant.
Coding change: c.1192A>G on transcript NM_001365088.1 (MANE Select); coding-DNA position 1192, A replaced by G.
Protein change: p.Asn398Asp; replaces asparagine 398 with aspartic acid.
Molecular consequence: missense variant.
Genome position (GRCh38, 1-based): chr15:34,252,311, T>C on the plus strand (A>G on the coding strand, the complement: SLC12A6 is on the minus strand). VCF-style: chr15-34252311-T-C. GRCh37 (hg19) VCF-style: chr15-34544512-T-C.
Other names: c.1015A>G, p.Asn339Asp (NM_001042494.2, NM_001042495.2); c.1165A>G, p.Asn389Asp (NM_001042496.2); c.1147A>G, p.Asn383Asp (NM_001042497.2); c.1039A>G, p.Asn347Asp (NM_005135.2); c.1192A>G, p.Asn398Asp (NM_133647.2); short protein forms N339D, N347D, N383D, N389D, N398D.
Identifiers: ClinVar variation 3903173 (VCV003903173.1).

ClinVar aggregate classification (germline): Uncertain significance (1 of 4 stars; one submission).

gnomAD v4.1: 3 of 1,612,708 alleles (0.00019%); highest among the groups gnomAD compares: African/African-American, 0.004%; no homozygotes.

Submission:

GeneDx
Classification: Uncertain significance. Last evaluated: 2024-12-15. Review status: criteria provided, single submitter. Criteria: GeneDx Variant Classification Process June 2021. Collection method: clinical testing. Allele origin: germline. Affected: yes.
Comment: In silico analysis supports that this missense variant has a deleterious effect on protein structure/function; Has not been previously published as pathogenic or benign to our knowledge